The following is an entry in ClinVar:

ClinVar aggregate classification (germline): Uncertain significance. Review status: criteria provided, multiple submitters, no conflicts (2 of 4 stars). 2 submissions from 2 submitters: Uncertain significance (2). Last evaluated 2023-11-16.

Conditions:
Hereditary cancer-predisposing syndrome. Also called: Neoplastic Syndromes, Hereditary; Tumor predisposition; Hereditary neoplastic syndrome; Hereditary Cancer Syndrome. Identifiers: Orphanet 140162, MedGen C0027672, MeSH D009386, MONDO:0015356.

Submissions (2):

Ambry Genetics
Classification: Uncertain significance for Hereditary cancer-predisposing syndrome. Last evaluated: 2023-11-16. Review status: criteria provided, single submitter. Criteria: Ambry Variant Classification Scheme 2023. Collection method: clinical testing. Allele origin: germline.
Comment: The p.P2402R variant (also known as c.7205C>G), located in coding exon 13 of the BRCA2 gene, results from a C to G substitution at nucleotide position 7205. The proline at codon 2402 is replaced by arginine, an amino acid with dissimilar properties. This amino acid position is conserved. In addition, the in silico prediction for this alteration is inconclusive. Since supporting evidence is limited at this time, the clinical significance of this alteration remains unclear.

Color Diagnostics, LLC DBA Color Health
Classification: Uncertain significance for Hereditary cancer-predisposing syndrome. Last evaluated: 2019-05-16. Review status: criteria provided, single submitter. Criteria: ACMG Guidelines, 2015. Collection method: clinical testing. Allele origin: germline.

NM_000059.4(BRCA2):c.7205C>G (p.Pro2402Arg)

Gene: BRCA2 (BRCA2 DNA repair associated; plus strand). Cytogenetic location: 13q13.1.
Variant type: single nucleotide variant.
Coding change: c.7205C>G on transcript NM_000059.4 (MANE Select); coding-DNA position 7205, C replaced by G.
Protein change: p.Pro2402Arg; replaces proline 2402 with arginine.
Molecular consequence: missense variant.
Genome position (GRCh38, 1-based): chr13:32,355,058, C>G. VCF-style: chr13-32355058-C-G. GRCh37 (hg19) VCF-style: chr13-32929195-C-G.
Other names: short protein forms P2402R.
Identifiers: ClinVar variation 629763 (VCV000629763.4), dbSNP rs1566240981, ClinGen allele CA387739943.